The following is an entry in ClinVar:

ClinVar aggregate classification (germline): Pathogenic (1 of 4 stars; one submission).

Conditions:
Neurofibromatosis, type 2 (SWNV). Also called: BILATERAL ACOUSTIC NEUROFIBROMATOSIS; NF2-Related Schwannomatosis; SCHWANNOMATOSIS, VESTIBULAR. Identifiers: Orphanet 637, MedGen C0027832, MONDO:0007039, OMIM 101000. Disease mechanism: loss of function.

Submission:

Labcorp Genetics (formerly Invitae), Labcorp
Classification: Pathogenic for Neurofibromatosis, type 2. Last evaluated: 2023-04-14. Review status: criteria provided, single submitter. Criteria: Invitae Variant Classification Sherloc (09022015). Collection method: clinical testing. Allele origin: germline.
Comment: For these reasons, this variant has been classified as Pathogenic. This variant has not been reported in the literature in individuals affected with NF2-related conditions. This variant is not present in population databases (gnomAD no frequency). This sequence change creates a premature translational stop signal (p.Glu215*) in the NF2 gene. It is expected to result in an absent or disrupted protein product. Loss-of-function variants in NF2 are known to be pathogenic (PMID: 9643284, 16983642).

Literature cited by the submitters: PubMed 9643284; PubMed 16983642.

NM_000268.4(NF2):c.643G>T (p.Glu215Ter)

Gene: NF2 (NF2, moesin-ezrin-radixin like (MERLIN) tumor suppressor; plus strand). Cytogenetic location: 22q12.2.
Variant type: single nucleotide variant.
Coding change: c.643G>T on transcript NM_000268.4 (MANE Select); coding-DNA position 643, G replaced by T.
Protein change: p.Glu215Ter; replaces glutamic acid 215 with a stop codon.
Molecular consequence: nonsense. On other transcripts: intron variant (1).
Genome position (GRCh38, 1-based): chr22:29,658,232, G>T. VCF-style: chr22-29658232-G-T. GRCh37 (hg19) VCF-style: chr22-30054221-G-T.
Other names: c.529G>T, p.Glu177Ter (NM_001407053.1, NM_001407056.1); c.520G>T, p.Glu174Ter (NM_001407054.1, NM_001407058.1, NM_001407062.1 and 1 more transcripts); c.517G>T, p.Glu173Ter (NM_001407055.1, NM_181828.3); c.643G>T, p.Glu215Ter (NM_001407057.1, NM_001407059.1, NM_001407060.1 and 4 more transcripts); c.394G>T, p.Glu132Ter (NM_001407063.1, NM_001407064.1, NM_181830.3 and 1 more transcripts); c.109G>T, p.Glu37Ter (NM_001407065.1); c.412G>T, p.Glu138Ter (NM_001407067.1); c.447+15947G>T (NM_181833.3); short protein forms E132*, E138*, E177*, E173*, E174*, E215*, E37*.
Identifiers: ClinVar variation 2856162 (VCV002856162.3), dbSNP rs2518575597, ClinGen allele CA411143063.